The following is an entry in ClinVar:

NM_000038.6(APC):c.6958C>G (p.Pro2320Ala)

Gene: APC (APC regulator of Wnt signaling pathway; plus strand). Cytogenetic location: 5q22.2.
Variant type: single nucleotide variant.
Coding change: c.6958C>G on transcript NM_000038.6 (MANE Select); coding-DNA position 6958, C replaced by G.
Protein change: p.Pro2320Ala; replaces proline 2320 with alanine.
Molecular consequence: missense variant.
Genome position (GRCh38, 1-based): chr5:112,842,552, C>G. VCF-style: chr5-112842552-C-G. GRCh37 (hg19) VCF-style: chr5-112178249-C-G.
Other names: c.6958C>G, p.Pro2320Ala (NM_001127510.3, NM_001354895.2); c.6904C>G, p.Pro2302Ala (NM_001127511.3); c.7012C>G, p.Pro2338Ala (NM_001354896.2); c.6988C>G, p.Pro2330Ala (NM_001354897.2); c.6883C>G, p.Pro2295Ala (NM_001354898.2); c.6874C>G, p.Pro2292Ala (NM_001354899.2); c.6835C>G, p.Pro2279Ala (NM_001354900.2); c.6781C>G, p.Pro2261Ala (NM_001354901.2); and 5 more; short protein forms P2037A, P2219A, P2302A, P2330A, P2160A, P2261A, P2279A, P2292A.
Identifiers: ClinVar variation 1345987 (VCV001345987.9), dbSNP rs587778036, ClinGen allele CA16036508.
Genomic context (GRCh38, chr5:112,842,552, plus strand): 5'-TCTAGATCAGGATCTAGAGATTCGACCCCTTCAAGACCTGCCCAGCAACCATTAAGTAGA[C>G]CTATACAGTCTCCTGGCCGAAACTCAATTTCCCCTGGTAGAAATGGAATAAGTCCTCCTA-3'
Protein context (NP_000029.2, residues 2310-2330): SRPAQQPLSR[Pro2320Ala]IQSPGRNSIS

ClinVar aggregate classification (germline): Uncertain significance. Review status: criteria provided, multiple submitters, no conflicts (2 of 4 stars). 2 submissions from 2 submitters: Uncertain significance (2). Last evaluated 2025-08-26.

Conditions:
Hereditary cancer-predisposing syndrome. Also called: Hereditary neoplastic syndrome; Tumor predisposition; Neoplastic Syndromes, Hereditary; Hereditary Cancer Syndrome. Identifiers: Orphanet 140162, MedGen C0027672, MeSH D009386, MONDO:0015356.
Familial adenomatous polyposis 1 (FAP1). Also called: FAMILIAL ADENOMATOUS POLYPOSIS 1, ATTENUATED; POLYPOSIS, ADENOMATOUS INTESTINAL. Identifiers: MedGen C2713442, MONDO:0021056, OMIM 175100. Disease mechanism: loss of function.

Submissions (2):

Ambry Genetics
Classification: Uncertain significance for Hereditary cancer-predisposing syndrome. Last evaluated: 2025-08-26. Review status: criteria provided, single submitter. Criteria: Ambry Variant Classification Scheme 2023. Collection method: clinical testing. Allele origin: germline.
Comment: The p.P2320A variant (also known as c.6958C>G), located in coding exon 15 of the APC gene, results from a C to G substitution at nucleotide position 6958. The proline at codon 2320 is replaced by alanine, an amino acid with highly similar properties. This amino acid position is well conserved in available vertebrate species. In addition, in silico predictors for this gene do not accurately predict pathogenicity. Missense alterations in APC are not a common cause of disease (Spier I et al. Genet Med. 2024 Feb;26(2):100992). Based on the available evidence, the clinical significance of this variant remains unclear.

Labcorp Genetics (formerly Invitae), Labcorp
Classification: Uncertain significance for Familial adenomatous polyposis 1. Last evaluated: 2025-03-30. Review status: criteria provided, single submitter. Criteria: Invitae Variant Classification Sherloc (09022015). Collection method: clinical testing. Allele origin: germline.
Comment: This sequence change replaces proline, which is neutral and non-polar, with alanine, which is neutral and non-polar, at codon 2320 of the APC protein (p.Pro2320Ala). This variant is not present in population databases (gnomAD no frequency). This variant has not been reported in the literature in individuals affected with APC-related conditions. ClinVar contains an entry for this variant (Variation ID: 1345987). Invitae Evidence Modeling of protein sequence and biophysical properties (such as structural, functional, and spatial information, amino acid conservation, physicochemical variation, residue mobility, and thermodynamic stability) indicates that this missense variant is not expected to disrupt APC protein function with a negative predictive value of 95%. In summary, the available evidence is currently insufficient to determine the role of this variant in disease. Therefore, it has been classified as a Variant of Uncertain Significance.